The following is an entry in ClinVar:

ClinVar aggregate classification (germline): Uncertain significance. Review status: criteria provided, multiple submitters, no conflicts (2 of 4 stars). 2 submissions from 2 submitters: Uncertain significance (2). Last evaluated 2024-02-24.

Conditions:
Hereditary cancer-predisposing syndrome. Also called: Tumor predisposition; Hereditary Cancer Syndrome; Neoplastic Syndromes, Hereditary; Hereditary neoplastic syndrome. Identifiers: Orphanet 140162, MedGen C0027672, MeSH D009386, MONDO:0015356.

Submissions (2):

Ambry Genetics
Classification: Uncertain significance for Hereditary cancer-predisposing syndrome. Last evaluated: 2024-02-24. Review status: criteria provided, single submitter. Criteria: Ambry Variant Classification Scheme 2023. Collection method: clinical testing. Allele origin: germline.
Comment: The p.N205S variant (also known as c.614A>G), located in coding exon 6 of the EPCAM gene, results from an A to G substitution at nucleotide position 614. The asparagine at codon 205 is replaced by serine, an amino acid with highly similar properties. This amino acid position is conserved. In addition, this alteration is predicted to be tolerated by in silico analysis. Based on the available evidence, the clinical significance of this alteration remains unclear.

Genetic Services Laboratory, University of Chicago
Classification: Uncertain significance. Last evaluated: 2021-09-22. Review status: criteria provided, single submitter. Criteria: ACMG Guidelines, 2015. Collection method: clinical testing. Allele origin: germline. Affected: no.
Comment: This sequence change does not appear to have been previously described in patients with EPCAM-related disorders and has also not been described in large population databases such as ExAC and gnomAD. The p.Asn205Ser change affects a moderately conserved amino acid residue located in a domain of the EPCAM protein that is not known to be functional. The p.Asn205Ser substitution appears to be benign using several in-silico pathogenicity prediction tools (SIFT, PolyPhen2, Align GVGD, REVEL). Due to this insufficient evidence and the lack of functional studies, the clinical significance of the p.Asn205Ser change remains unknown at this time.

NM_002354.3(EPCAM):c.614A>G (p.Asn205Ser)

Gene: EPCAM (epithelial cell adhesion molecule; plus strand). Cytogenetic location: 2p21.
Variant type: single nucleotide variant.
Coding change: c.614A>G on transcript NM_002354.3 (MANE Select); coding-DNA position 614, A replaced by G.
Protein change: p.Asn205Ser; replaces asparagine 205 with serine.
Molecular consequence: missense variant.
Genome position (GRCh38, 1-based): chr2:47,379,011, A>G. VCF-style: chr2-47379011-A-G. GRCh37 (hg19) VCF-style: chr2-47606150-A-G.
Other names: short protein forms N205S.
Identifiers: ClinVar variation 1335997 (VCV001335997.5), dbSNP rs2103757155, ClinGen allele CA346724210.